The following is an entry in ClinVar:

ClinVar aggregate classification (germline): Conflicting classifications of pathogenicity. Review status: criteria provided, conflicting classifications (1 of 4 stars). 5 submissions from 5 submitters: Uncertain significance (3); Likely benign (2). Last evaluated 2025-09-28.

Conditions:
Cardiovascular phenotype. Identifiers: MedGen CN230736.
Familial hypobetalipoproteinemia 1. Also called: Hypobetalipoproteinemia, normotriglyceridemic; Acanthocytosis with hypobetalipoproteinemia; APOB-Related Familial Hypobetalipoproteinemia. Identifiers: MedGen C4551990, MONDO:0014252, OMIM 615558.
Hypercholesterolemia, autosomal dominant, type B (FHCL2). Also called: Familial hypercholesterolemia 2; APOB-Related Familial Hypercholesterolemia, Autosomal Dominant; HYPERCHOLESTEROLEMIA, FAMILIAL, DUE TO LIGAND-DEFECTIVE APOLIPOPROTEIN B; Hyperlipoproteinemia Type IIb; Familial Hypercholesterolemia Type B; APOLIPOPROTEIN B-100, FAMILIAL DEFECTIVE. Identifiers: MedGen C1704417, MONDO:0007751, OMIM 144010.

Allele frequency attached by ClinVar (database versions not stated): gnomAD exomes below 0.00001; ExAC 0.00001; gnomAD 0.00003 and 0.00004; TOPMed 0.00003.

Submissions (5):

Labcorp Genetics (formerly Invitae), Labcorp
Classification: Likely benign for Familial hypobetalipoproteinemia 1; Hypercholesterolemia, autosomal dominant, type B. Last evaluated: 2025-09-28. Review status: criteria provided, single submitter. Criteria: Invitae Variant Classification Sherloc (09022015). Collection method: clinical testing. Allele origin: germline.

GeneDx
Classification: Uncertain significance. Last evaluated: 2025-01-06. Review status: criteria provided, single submitter. Criteria: GeneDx Variant Classification Process June 2021. Collection method: clinical testing. Allele origin: germline. Affected: yes.
Comment: Has not been previously published as pathogenic or benign to our knowledge; Not observed at significant frequency in large population cohorts (gnomAD); In silico analysis indicates that this missense variant does not alter protein structure/function

ARUP Laboratories, Molecular Genetics and Genomics, ARUP Laboratories
Classification: Uncertain significance. Last evaluated: 2024-01-24. Review status: criteria provided, single submitter. Criteria: ARUP Molecular Germline Variant Investigation Process 2024. Collection method: clinical testing. Allele origin: germline.
Comment: The APOB c.10276G>A; p.Ala3426Thr variant (rs753767897), to our knowledge, is not reported in the medical literature but is reported in ClinVar (Variation ID: 544075). This variant is only observed on two alleles in the Genome Aggregation Database (v2.1.1), indicating it is not a common polymorphism. Computational analyses predict that this variant is neutral (REVEL: 0.104). Due to limited information, the clinical significance of this variant is uncertain at this time.

Ambry Genetics
Classification: Likely benign for Cardiovascular phenotype. Last evaluated: 2023-04-18. Review status: criteria provided, single submitter. Criteria: Ambry Variant Classification Scheme 2023. Collection method: clinical testing. Allele origin: germline.

Fulgent Genetics
Classification: Uncertain significance for Hypercholesterolemia, autosomal dominant, type B; Familial hypobetalipoproteinemia 1. Last evaluated: 2021-10-19. Review status: criteria provided, single submitter. Criteria: ACMG Guidelines, 2015. Collection method: clinical testing. Allele origin: unknown.

Literature cited by the submitters: PubMed 23054246 (cited by Ambry Genetics).

NM_000384.3(APOB):c.10276G>A (p.Ala3426Thr)

Gene: APOB (apolipoprotein B; minus strand). Cytogenetic location: 2p24.1.
Variant type: single nucleotide variant.
Coding change: c.10276G>A on transcript NM_000384.3 (MANE Select); coding-DNA position 10276, G replaced by A.
Protein change: p.Ala3426Thr; replaces alanine 3426 with threonine.
Molecular consequence: missense variant.
Genome position (GRCh38, 1-based): chr2:21,006,592, C>T on the plus strand (G>A on the coding strand, the complement: APOB is on the minus strand). VCF-style: chr2-21006592-C-T. GRCh37 (hg19) VCF-style: chr2-21229464-C-T.
Other names: short protein forms A3426T.
Identifiers: ClinVar variation 544075 (VCV000544075.16), dbSNP rs753767897, ClinGen allele CA042985.